The following is an entry in ClinVar:

ClinVar aggregate classification (germline): Uncertain significance (1 of 4 stars; one submission).

Submission:

GeneDx
Classification: Uncertain significance. Last evaluated: 2023-05-29. Review status: criteria provided, single submitter. Criteria: GeneDx Variant Classification Process June 2021. Collection method: clinical testing. Allele origin: germline. Affected: yes.
Comment: Not observed at significant frequency in large population cohorts (gnomAD); In silico analysis supports that this missense variant has a deleterious effect on protein structure/function; Has not been previously published as pathogenic or benign to our knowledge

NM_005120.3(MED12):c.3710G>T (p.Gly1237Val)

Gene: MED12 (mediator complex subunit 12; plus strand). Cytogenetic location: Xq13.1.
Variant type: single nucleotide variant.
Coding change: c.3710G>T on transcript NM_005120.3 (MANE Select); coding-DNA position 3710, G replaced by T.
Protein change: p.Gly1237Val; replaces glycine 1237 with valine.
Molecular consequence: missense variant.
Genome position (GRCh38, 1-based): chrX:71,129,698, G>T. VCF-style: chrX-71129698-G-T. GRCh37 (hg19) VCF-style: chrX-70349548-G-T.
Other names: short protein forms G1237V.
Identifiers: ClinVar variation 3359406 (VCV003359406.1).